The following is an entry in ClinVar:

ClinVar aggregate classification (germline): Uncertain significance (1 of 4 stars; one submission).

Conditions:
Cardiovascular phenotype. Identifiers: MedGen CN230736.

Submission:

Ambry Genetics
Classification: Uncertain significance for Cardiovascular phenotype. Last evaluated: 2022-04-23. Review status: criteria provided, single submitter. Criteria: Ambry Variant Classification Scheme 2023. Collection method: clinical testing. Allele origin: germline.
Comment: The p.T131A variant (also known as c.391A>G), located in coding exon 4 of the AKAP9 gene, results from an A to G substitution at nucleotide position 391. The threonine at codon 131 is replaced by alanine, an amino acid with similar properties. This amino acid position is conserved. In addition, this alteration is predicted to be tolerated by in silico analysis. Since supporting evidence is limited at this time, the clinical significance of this alteration remains unclear.

NM_005751.5(AKAP9):c.391A>G (p.Thr131Ala)

Gene: AKAP9 (A-kinase anchoring protein 9; plus strand). Cytogenetic location: 7q21.2.
Variant type: single nucleotide variant.
Coding change: c.391A>G on transcript NM_005751.5 (MANE Select); coding-DNA position 391, A replaced by G.
Protein change: p.Thr131Ala; replaces threonine 131 with alanine.
Molecular consequence: missense variant.
Genome position (GRCh38, 1-based): chr7:91,992,197, A>G. VCF-style: chr7-91992197-A-G. GRCh37 (hg19) VCF-style: chr7-91621511-A-G.
Other names: c.391A>G, p.Thr131Ala (NM_147185.3); short protein forms T131A.
Identifiers: ClinVar variation 1736173 (VCV001736173.2), dbSNP rs2484663081, ClinGen allele CA368119283.